The following is an entry in ClinVar:

ClinVar aggregate classification (germline): Uncertain significance (1 of 4 stars; one submission).

Conditions:
Luscan-Lumish syndrome. Identifiers: Orphanet 597738, MedGen C4085873, MONDO:0014791, OMIM 616831.

Allele frequency attached by ClinVar (database versions not stated): gnomAD exomes below 0.00001 and 0.00001; ExAC 0.00001.
gnomAD v4.1: 3 of 1,613,042 alleles (0.00019%); highest among the groups gnomAD compares: South Asian, 0.0033%; no homozygotes.

Submission:

Labcorp Genetics (formerly Invitae), Labcorp
Classification: Uncertain significance for Luscan-Lumish syndrome. Last evaluated: 2021-08-11. Review status: criteria provided, single submitter. Criteria: Invitae Variant Classification Sherloc (09022015). Collection method: clinical testing. Allele origin: germline.
Comment: This variant has not been reported in the literature in individuals affected with SETD2-related conditions. This variant is present in population databases (rs768946699, ExAC 0.006%). This sequence change replaces serine with phenylalanine at codon 614 of the SETD2 protein (p.Ser614Phe). The serine residue is moderately conserved and there is a large physicochemical difference between serine and phenylalanine. Algorithms developed to predict the effect of missense changes on protein structure and function are either unavailable or do not agree on the potential impact of this missense change (SIFT: "Deleterious"; PolyPhen-2: "Benign"; Align-GVGD: "Class C0"). In summary, the available evidence is currently insufficient to determine the role of this variant in disease. Therefore, it has been classified as a Variant of Uncertain Significance.

NM_014159.7(SETD2):c.1841C>T (p.Ser614Phe)

Gene: SETD2 (SET domain containing 2, histone lysine methyltransferase; minus strand). Cytogenetic location: 3p21.31.
Variant type: single nucleotide variant.
Coding change: c.1841C>T on transcript NM_014159.7 (MANE Select); coding-DNA position 1841, C replaced by T.
Protein change: p.Ser614Phe; replaces serine 614 with phenylalanine.
Molecular consequence: missense variant. On other transcripts: non-coding transcript variant (1).
Genome position (GRCh38, 1-based): chr3:47,122,795, G>A on the plus strand (C>T on the coding strand, the complement: SETD2 is on the minus strand). VCF-style: chr3-47122795-G-A. GRCh37 (hg19) VCF-style: chr3-47164285-G-A.
Other names: c.1709C>T, p.Ser570Phe (NM_001349370.3); short protein forms S614F, S570F.
Identifiers: ClinVar variation 1492801 (VCV001492801.6), dbSNP rs768946699, ClinGen allele CA2363624.